The following is an entry in ClinVar:

ClinVar aggregate classification (germline): Likely benign (1 of 4 stars; one submission).

Conditions:
CCNF-related disorder. Also called: CCNF-related condition.

gnomAD v4.1: 125 of 1,579,770 alleles (0.0079%); highest among the groups gnomAD compares: African/African-American, 0.14%; no homozygotes.

Submissions (2):

PreventionGenetics, part of Exact Sciences
Classification: Likely benign for CCNF-related condition. Last evaluated: 2024-12-11. Review status: criteria provided, single submitter. Criteria: ACMG Guidelines, 2015. Collection method: clinical testing. Allele origin: germline.
Comment: This variant is classified as likely benign based on ACMG/AMP sequence variant interpretation guidelines (Richards et al. 2015 PMID: 25741868, with internal and published modifications).

Dr. Peter K. Rogan Lab, Western University
No classification provided (evidence only). Condition: Familial cancer of breast. Review status: no classification provided. Collection method: in vitro. Allele origin: not applicable. Functional consequence: retained intron. Not counted in ClinVar's aggregate classification.

NM_001761.3(CCNF):c.347-6C>G

Gene: CCNF (cyclin F; plus strand). Cytogenetic location: 16p13.3.
Variant type: single nucleotide variant.
Coding change: c.347-6C>G on transcript NM_001761.3 (MANE Select); 6 bases into the intron before coding-DNA position 347, C replaced by G.
Molecular consequence: intron variant.
Genome position (GRCh38, 1-based): chr16:2,437,123, C>G. VCF-style: chr16-2437123-C-G. GRCh37 (hg19) VCF-style: chr16-2487124-C-G.
Other names: NC_000016.9:g.2487124C>G; c.-578-6C>G (NM_001323538.2); c.347-6C>G (NM_001761.2).
Identifiers: ClinVar variation 4409841 (VCV004409841.2).